The following is an entry in ClinVar:

ClinVar aggregate classification (germline): Likely pathogenic (1 of 4 stars; one submission).

Conditions:
Neuronal ceroid lipofuscinosis 1 (CLN1). Also called: CEROID LIPOFUSCINOSIS, NEURONAL, 1, VARIABLE AGE AT ONSET; PPT1-Related Neuronal Ceroid-Lipofuscinosis. Identifiers: Orphanet 228329, MedGen C1850451, MONDO:0009744, OMIM 256730.

Submission:

Natera, Inc.
Classification: Likely pathogenic for Neuronal ceroid lipofuscinosis 1. Last evaluated: 2025-12-29. Review status: criteria provided, single submitter. Criteria: Natera Variant Classification Schema (03/2026). Collection method: clinical testing. Allele origin: germline.
Comment: The c.567delC variant in PPT1 is a frameshift variant predicted to shift the reading frame and introduce a stop codon. This variant is expected to result in nonsense mediated decay, truncation, or a dysfunctional protein product. This variant is rare in the general population with a frequency below the threshold expected for the associated phenotype(s). Given the available evidence, this variant is classified as Likely Pathogenic.

NM_000310.4(PPT1):c.567del (p.Pro189_Ile190insTer)

Gene: PPT1 (palmitoyl-protein thioesterase 1; minus strand). Cytogenetic location: 1p34.2.
Variant type: Deletion.
Coding change: c.567del on transcript NM_000310.4 (MANE Select); coding-DNA position 567, one base deleted (C; older notation c.567delC).
Protein change: p.Pro189_Ile190insTer.
Molecular consequence: frameshift variant. On other transcripts: nonsense (1).
Genome position (GRCh38, 1-based): chr1:40,080,457, G deleted on the plus strand (C on the coding strand, the reverse complement: PPT1 is on the minus strand); the first of 4 consecutive G bases (chr1:40,080,457-40,080,460); deleting any one gives the same sequence. VCF-style (leftmost placement, unchanged base first): chr1-40080456-TG-T. GRCh37 (hg19) VCF-style: chr1-40546128-TG-T.
Other names: c.258del, p.Pro86_Ile87insTer (NM_001142604.2); c.567del, p.Pro189_Ile190insTer (NM_001363695.2); c.567delC (NM_000310.3).
Identifiers: ClinVar variation 4818147 (VCV004818147.1).